The following is an entry in ClinVar:

NM_016529.6(ATP8A2):c.637C>T (p.Leu213Phe)

Gene: ATP8A2 (ATPase phospholipid transporting 8A2). Cytogenetic location: 13q12.13.
Variant type: single nucleotide variant.
Coding change: c.637C>T on transcript NM_016529.6 (MANE Select); coding-DNA position 637, C replaced by T.
Protein change: p.Leu213Phe; replaces leucine 213 with phenylalanine.
Molecular consequence: missense variant.
Genome position (GRCh38, 1-based): chr13:25,540,374, C>T. VCF-style: chr13-25540374-C-T. GRCh37 (hg19) VCF-style: chr13-26114512-C-T.
Other names: c.517C>T, p.Leu173Phe (NM_001313741.1); c.637C>T, p.Leu213Phe (NM_001411005.1, NM_001411006.1); short protein forms L173F, L213F.
Identifiers: ClinVar variation 2419291 (VCV002419291.6), dbSNP rs2038433395, ClinGen allele CA387611849.

ClinVar aggregate classification (germline): Uncertain significance (1 of 4 stars; one submission).

Allele frequency attached by ClinVar (database versions not stated): gnomAD exomes below 0.00001; TOPMed below 0.00001.
gnomAD v4.1: 2 of 1,612,940 alleles (0.00012%); highest among the groups gnomAD compares: Non-Finnish European, 0.00017%; no homozygotes.

Submission:

Labcorp Genetics (formerly Invitae), Labcorp
Classification: Uncertain significance. Last evaluated: 2022-09-13. Review status: criteria provided, single submitter. Criteria: Invitae Variant Classification Sherloc (09022015). Collection method: clinical testing. Allele origin: germline.
Comment: This sequence change replaces leucine, which is neutral and non-polar, with phenylalanine, which is neutral and non-polar, at codon 213 of the ATP8A2 protein (p.Leu213Phe). This variant is not present in population databases (gnomAD no frequency). This variant has not been reported in the literature in individuals affected with ATP8A2-related conditions. Advanced modeling of protein sequence and biophysical properties (such as structural, functional, and spatial information, amino acid conservation, physicochemical variation, residue mobility, and thermodynamic stability) performed at Invitae indicates that this missense variant is not expected to disrupt ATP8A2 protein function. In summary, the available evidence is currently insufficient to determine the role of this variant in disease. Therefore, it has been classified as a Variant of Uncertain Significance.